The following is an entry in ClinVar:

ClinVar aggregate classification (germline): Uncertain significance (1 of 4 stars; one submission).

Conditions:
Congenital myasthenic syndrome 15. Also called: Myasthenic syndrome, congenital, 15, without tubular aggregates. Identifiers: Orphanet 353327, Orphanet 590, MedGen C4015596, MONDO:0014542, OMIM 616227.

gnomAD v4.1: 1 of 1,614,048 alleles (0.000062%); highest among the groups gnomAD compares: Non-Finnish European, 0.000085%; no homozygotes.

Submission:

Labcorp Genetics (formerly Invitae), Labcorp
Classification: Uncertain significance for Myasthenic syndrome, congenital, 15. Last evaluated: 2019-09-16. Review status: criteria provided, single submitter. Criteria: Invitae Variant Classification Sherloc (09022015). Collection method: clinical testing. Allele origin: germline.
Comment: This sequence change replaces arginine with serine at codon 177 of the ALG14 protein (p.Arg177Ser). The arginine residue is highly conserved and there is a moderate physicochemical difference between arginine and serine. This variant is not present in population databases (ExAC no frequency). This variant has not been reported in the literature in individuals with ALG14-related conditions. Algorithms developed to predict the effect of missense changes on protein structure and function (SIFT, PolyPhen-2, Align-GVGD) all suggest that this variant is likely to be disruptive, but these predictions have not been confirmed by published functional studies and their clinical significance is uncertain. In summary, the available evidence is currently insufficient to determine the role of this variant in disease. Therefore, it has been classified as a Variant of Uncertain Significance.

NM_144988.4(ALG14):c.529C>A (p.Arg177Ser)

Gene: ALG14 (ALG14 UDP-N-acetylglucosaminyltransferase subunit; minus strand). Cytogenetic location: 1p21.3.
Variant type: single nucleotide variant.
Coding change: c.529C>A on transcript NM_144988.4 (MANE Select); coding-DNA position 529, C replaced by A.
Protein change: p.Arg177Ser; replaces arginine 177 with serine.
Molecular consequence: missense variant. On other transcripts: 3 prime UTR variant (1), non-coding transcript variant (1).
Genome position (GRCh38, 1-based): chr1:94,983,198, G>T on the plus strand (C>A on the coding strand, the complement: ALG14 is on the minus strand). VCF-style: chr1-94983198-G-T. GRCh37 (hg19) VCF-style: chr1-95448754-G-T.
Other names: c.*98C>A (NM_001305242.2); short protein forms R177S.
Identifiers: ClinVar variation 956425 (VCV000956425.1), dbSNP rs1279524858, ClinGen allele CA341364500.